The following is an entry in ClinVar:

ClinVar aggregate classification (germline): Conflicting classifications of pathogenicity. Review status: criteria provided, conflicting classifications (1 of 4 stars). 4 submissions from 4 submitters: Uncertain significance (1); Likely benign (2). 1 of the submissions does not count toward it. Last evaluated 2024-08-17.

Conditions:
MACF1-related disorder. Also called: MACF1-related condition.
Inborn genetic diseases. Identifiers: MedGen C0950123, MeSH D030342.

Allele frequency attached by ClinVar (database versions not stated): gnomAD 0.00003; gnomAD exomes 0.00003; TOPMed 0.00004; ExAC 0.00005; ESP Exome Variant Server 0.00008; 1000 Genomes Project 30x 0.00016; 1000 Genomes Project 0.00020.
gnomAD v4.1: 49 of 1,614,152 alleles (0.003%); highest among the groups gnomAD compares: African/African-American, 0.0067%; no homozygotes.

Submissions (4):

Labcorp Genetics (formerly Invitae), Labcorp
Classification: Uncertain significance. Last evaluated: 2024-08-17. Review status: criteria provided, single submitter. Criteria: Invitae Variant Classification Sherloc (09022015). Collection method: clinical testing. Allele origin: germline.
Comment: This sequence change replaces arginine, which is basic and polar, with glutamine, which is neutral and polar, at codon 2766 of the MACF1 protein (p.Arg2766Gln). This variant is present in population databases (rs375379796, gnomAD 0.009%). This variant has not been reported in the literature in individuals affected with MACF1-related conditions. ClinVar contains an entry for this variant (Variation ID: 2456446). An algorithm developed to predict the effect of missense changes on protein structure and function outputs the following: PolyPhen-2: "Benign". The glutamine amino acid residue is found in multiple mammalian species, which suggests that this missense change does not adversely affect protein function. In summary, the available evidence is currently insufficient to determine the role of this variant in disease. Therefore, it has been classified as a Variant of Uncertain Significance.

Blueprint Genetics
Classification: Likely benign. Last evaluated: 2024-07-16. Review status: criteria provided, single submitter. Criteria: ACMG Guidelines, 2015. Collection method: clinical testing. Allele origin: germline.

Ambry Genetics
Classification: Likely benign for Inborn genetic diseases. Last evaluated: 2023-01-06. Review status: criteria provided, single submitter. Criteria: Ambry Variant Classification Scheme 2023. Collection method: clinical testing. Allele origin: germline.

PreventionGenetics, part of Exact Sciences
Classification: Uncertain significance for MACF1-related condition. Last evaluated: 2024-02-29. Review status: no assertion criteria provided. Collection method: clinical testing. Allele origin: germline. Not counted in ClinVar's aggregate classification.
Comment: The MACF1 c.8297G>A variant is predicted to result in the amino acid substitution p.Arg2766Gln. To our knowledge, this variant has not been reported in the literature. This variant is reported in 0.0093% of alleles in individuals of European (Non-Finnish) descent in gnomAD. At this time, the clinical significance of this variant is uncertain due to the absence of conclusive functional and genetic evidence.

NM_001394062.1(MACF1):c.14483G>A (p.Arg4828Gln)

Gene: MACF1 (microtubule actin crosslinking factor 1; plus strand). Cytogenetic location: 1p34.3.
Variant type: single nucleotide variant.
Coding change: c.14483G>A on transcript NM_001394062.1 (MANE Select); coding-DNA position 14483, G replaced by A.
Protein change: p.Arg4828Gln; replaces arginine 4828 with glutamine.
Molecular consequence: missense variant.
Genome position (GRCh38, 1-based): chr1:39,387,325, G>A. VCF-style: chr1-39387325-G-A. GRCh37 (hg19) VCF-style: chr1-39852997-G-A.
Other names: c.8297G>A, p.Arg2766Gln (NM_012090.5); short protein forms R2766Q, R4828Q.
Identifiers: ClinVar variation 2456446 (VCV002456446.7), dbSNP rs375379796, ClinGen allele CA782260.